The following is an entry in ClinVar:

NM_001271.4(CHD2):c.5232G>A (p.Met1744Ile)

Gene: CHD2 (chromodomain helicase DNA binding protein 2; plus strand). Cytogenetic location: 15q26.1.
Variant type: single nucleotide variant.
Coding change: c.5232G>A on transcript NM_001271.4 (MANE Select); coding-DNA position 5232, G replaced by A.
Protein change: p.Met1744Ile; replaces methionine 1744 with isoleucine.
Molecular consequence: missense variant.
Genome position (GRCh38, 1-based): chr15:93,024,450, G>A. VCF-style: chr15-93024450-G-A. GRCh37 (hg19) VCF-style: chr15-93567680-G-A.
Other names: short protein forms M1744I.
Identifiers: ClinVar variation 1420482 (VCV001420482.7), dbSNP rs761319790, ClinGen allele CA7748705.

ClinVar aggregate classification (germline): Uncertain significance (1 of 4 stars; one submission).

Conditions:
Developmental and epileptic encephalopathy 94 (DEE94). Also called: CHD2-Related Neurodevelopmental Disorders; Epileptic encephalopathy, childhood-onset. Identifiers: Orphanet 1942, Orphanet 2382, MedGen C3809278, MONDO:0014150, OMIM 615369.

Allele frequency attached by ClinVar (database versions not stated): gnomAD exomes below 0.00001 and 0.00001; gnomAD 0.00002 and 0.00003; ExAC 0.00003; TOPMed 0.00003.

Submission:

Labcorp Genetics (formerly Invitae), Labcorp
Classification: Uncertain significance for Developmental and epileptic encephalopathy 94. Last evaluated: 2025-06-27. Review status: criteria provided, single submitter. Criteria: Invitae Variant Classification Sherloc (09022015). Collection method: clinical testing. Allele origin: germline.
Comment: This sequence change replaces methionine, which is neutral and non-polar, with isoleucine, which is neutral and non-polar, at codon 1744 of the CHD2 protein (p.Met1744Ile). This variant is present in population databases (rs761319790, gnomAD 0.02%). This missense change has been observed in individual(s) with clinical features of epileptic encephalopathy (PMID: 31677157). ClinVar contains an entry for this variant (Variation ID: 1420482). Invitae Evidence Modeling of protein sequence and biophysical properties (such as structural, functional, and spatial information, amino acid conservation, physicochemical variation, residue mobility, and thermodynamic stability) indicates that this missense variant is not expected to disrupt CHD2 protein function with a negative predictive value of 95%. In summary, the available evidence is currently insufficient to determine the role of this variant in disease. Therefore, it has been classified as a Variant of Uncertain Significance.

Literature cited by the submitters: PubMed 31677157.